The following is an entry in ClinVar:

ClinVar aggregate classification (germline): Pathogenic (1 of 4 stars; one submission).

Conditions:
Neurofibromatosis, type 1 (NF1). Also called: VON RECKLINGHAUSEN DISEASE; Peripheral type neurofibromatosis; NEUROFIBROMATOSIS, TYPE I, SOMATIC; Neurofibromatosis, type I. Identifiers: Orphanet 636, MedGen C0027831, MONDO:0018975, OMIM 162200. Disease mechanism: loss of function.

Submission:

Labcorp Genetics (formerly Invitae), Labcorp
Classification: Pathogenic for Neurofibromatosis, type 1. Last evaluated: 2025-03-26. Review status: criteria provided, single submitter. Criteria: Invitae Variant Classification Sherloc (09022015). Collection method: clinical testing. Allele origin: germline.
Comment: This sequence change replaces valine, which is neutral and non-polar, with aspartic acid, which is acidic and polar, at codon 54 of the NF1 protein (p.Val54Asp). This variant is not present in population databases (gnomAD no frequency). This missense change has been observed in individual(s) with clinical features of neurofibromatosis type I (internal data). In at least one individual the variant was observed to be de novo. Invitae Evidence Modeling of protein sequence and biophysical properties (such as structural, functional, and spatial information, amino acid conservation, physicochemical variation, residue mobility, and thermodynamic stability) indicates that this missense variant is expected to disrupt NF1 protein function with a positive predictive value of 95%. For these reasons, this variant has been classified as Pathogenic.

NM_001042492.3(NF1):c.161T>A (p.Val54Asp)

Gene: NF1 (neurofibromin 1; plus strand). Cytogenetic location: 17q11.2.
Variant type: single nucleotide variant.
Coding change: c.161T>A on transcript NM_001042492.3 (MANE Select); coding-DNA position 161, T replaced by A.
Protein change: p.Val54Asp; replaces valine 54 with aspartic acid.
Molecular consequence: missense variant.
Genome position (GRCh38, 1-based): chr17:31,156,083, T>A. VCF-style: chr17-31156083-T-A. GRCh37 (hg19) VCF-style: chr17-29483101-T-A.
Other names: c.161T>A, p.Val54Asp (NM_000267.4, NM_001128147.3); short protein forms V54D.
Identifiers: ClinVar variation 3634475 (VCV003634475.2).
Genomic context (GRCh38, chr17:31,156,083, plus strand): 5'-TCAGTACTGAGCACAACAAGGAATGTCTAATCAATATTTCCAAATACAAGTTTTCTTTGG[T>A]TATAAGCGGCCTCACTACTATTTTAAAGAATGTTAACAATATGGTGAGTATTTGGGTTAC-3'
Protein context (NP_001035957.1, residues 44-64): INISKYKFSL[Val54Asp]ISGLTTILKN